The following is an entry in ClinVar:

NM_014780.5(CUL7):c.2230G>A (p.Val744Met)

Gene: CUL7 (cullin 7; minus strand). Cytogenetic location: 6p21.1.
Variant type: single nucleotide variant.
Coding change: c.2230G>A on transcript NM_014780.5 (MANE Select); coding-DNA position 2230, G replaced by A.
Protein change: p.Val744Met; replaces valine 744 with methionine.
Molecular consequence: missense variant.
Genome position (GRCh38, 1-based): chr6:43,047,047, C>T on the plus strand (G>A on the coding strand, the complement: CUL7 is on the minus strand). VCF-style: chr6-43047047-C-T. GRCh37 (hg19) VCF-style: chr6-43014785-C-T.
Other names: c.2326G>A, p.Val776Met (NM_001168370.2, NM_001374872.1); c.2230G>A, p.Val744Met (NM_001374873.1, NM_001374874.1); short protein forms V776M, V744M.
Identifiers: ClinVar variation 1498669 (VCV001498669.7), dbSNP rs547138217, ClinGen allele CA3813942.

ClinVar aggregate classification (germline): Uncertain significance. Review status: criteria provided, multiple submitters, no conflicts (2 of 4 stars). 3 submissions from 3 submitters: Uncertain significance (3). Last evaluated 2024-10-04.

Conditions:
3M syndrome 1. Also called: 3-M Syndrome, CUL7-Related. Identifiers: Orphanet 2616, MedGen C2678312, MONDO:0010117, OMIM 273750.

Allele frequency attached by ClinVar (database versions not stated): gnomAD exomes 0.00003 and 0.00007; ExAC 0.00005; TOPMed 0.00010; gnomAD 0.00011; 1000 Genomes Project 0.00020; 1000 Genomes Project 30x 0.00031.
gnomAD v4.1: 123 of 1,613,514 alleles (0.0076%); highest among the groups gnomAD compares: African/African-American, 0.027%; no homozygotes.

Submissions (3):

Blueprint Genetics
Classification: Uncertain significance. Last evaluated: 2024-10-04. Review status: criteria provided, single submitter. Criteria: ACMG Guidelines, 2015. Collection method: clinical testing. Allele origin: germline.

Fulgent Genetics
Classification: Uncertain significance for 3M syndrome 1. Last evaluated: 2022-03-11. Review status: criteria provided, single submitter. Criteria: ACMG Guidelines, 2015. Collection method: clinical testing. Allele origin: unknown.

Labcorp Genetics (formerly Invitae), Labcorp
Classification: Uncertain significance. Last evaluated: 2021-08-14. Review status: criteria provided, single submitter. Criteria: Invitae Variant Classification Sherloc (09022015). Collection method: clinical testing. Allele origin: germline.
Comment: This sequence change replaces valine with methionine at codon 744 of the CUL7 protein (p.Val744Met). The valine residue is highly conserved and there is a small physicochemical difference between valine and methionine. This variant is present in population databases (rs547138217, ExAC 0.02%). This variant has not been reported in the literature in individuals affected with CUL7-related conditions. Algorithms developed to predict the effect of missense changes on protein structure and function are either unavailable or do not agree on the potential impact of this missense change (SIFT: "Deleterious"; PolyPhen-2: "Probably Damaging"; Align-GVGD: "Class C0"). In summary, the available evidence is currently insufficient to determine the role of this variant in disease. Therefore, it has been classified as a Variant of Uncertain Significance.